The following is an entry in ClinVar:

ClinVar aggregate classification (germline): Pathogenic/Likely pathogenic. Review status: criteria provided, multiple submitters, no conflicts (2 of 4 stars). 3 submissions from 3 submitters: Pathogenic (1); Likely pathogenic (2). Last evaluated 2025-11-20.

Conditions:
GNB5-related disorder. Also called: GNB5-related condition; GNB5-related disorders.
Lodder-Merla syndrome, type 1, with impaired intellectual development and cardiac arrhythmia. Also called: Intellectual developmental disorder with cardiac arrhythmia; Gnb5-related intellectual disability-cardiac arrhythmia syndrome. Identifiers: Orphanet 542306, MedGen C5568877, MONDO:0014953, OMIM 617173.

Allele frequency attached by ClinVar (database versions not stated): gnomAD 0.00004 and 0.00005; gnomAD exomes 0.00008; ExAC 0.00012; 1000 Genomes Project 30x 0.00016; 1000 Genomes Project 0.00020; ESP Exome Variant Server 0.00008; TOPMed 0.00003.

Submissions (3):

GeneDx
Classification: Likely pathogenic. Last evaluated: 2025-11-20. Review status: criteria provided, single submitter. Criteria: GeneDx Variant Classification Process June 2021. Collection method: clinical testing. Allele origin: germline. Affected: yes.
Comment: Nonsense variant predicted to result in protein truncation or nonsense mediated decay in a gene for which loss of function is a known mechanism of disease; Not observed at significant frequency in large population cohorts (gnomAD); Has not been previously published as pathogenic or benign to our knowledge

Blueprint Genetics
Classification: Likely pathogenic for GNB5-related disorders. Last evaluated: 2024-11-08. Review status: criteria provided, single submitter. Criteria: ACMG Guidelines, 2015. Collection method: clinical testing. Allele origin: germline. Affected: yes. Observed: 3 variant alleles.

Genomic Medicine Center of Excellence, King Faisal Specialist Hospital and Research Centre
Classification: Pathogenic for Lodder-Merla syndrome, type 1, with impaired intellectual development and cardiac arrhythmia. Last evaluated: 2024-03-26. Review status: criteria provided, single submitter. Criteria: ACMG Guidelines, 2015. Collection method: clinical testing. Allele origin: germline.

NM_016194.4(GNB5):c.61C>T (p.Arg21Ter)

Genes: CERNA1 (competing endogenous lncRNA 1 for miR-4707-5p and miR-4767; plus strand), GNB5 (G protein subunit beta 5; minus strand). Cytogenetic location: 15q21.2.
Variant type: single nucleotide variant.
Coding change: c.61C>T on transcript NM_016194.4 (MANE Select); coding-DNA position 61, C replaced by T.
Protein change: p.Arg21Ter; replaces arginine 21 with a stop codon.
Molecular consequence: nonsense.
Genome position (GRCh38, 1-based): chr15:52,184,616, G>A on the plus strand (C>T on the coding strand, the complement: GNB5 is on the minus strand). VCF-style: chr15-52184616-G-A. GRCh37 (hg19) VCF-style: chr15-52476813-G-A.
Other names: short protein forms R21*.
Identifiers: ClinVar variation 1326436 (VCV001326436.7), dbSNP rs201041536, ClinGen allele CA7565968.